The following is an entry in ClinVar:

ClinVar aggregate classification (germline): Likely pathogenic (1 of 4 stars; one submission).

Conditions:
USH2A-related disorder. Also called: USH2A-related disorders; USH2A-related condition. Identifiers: MedGen CN239332.

Submission:

Myriad Genetics, Inc.
Classification: Likely pathogenic for USH2A-related disorder. Last evaluated: 2026-05-06. Review status: criteria provided, single submitter. Criteria: Myriad Autosomal Dominant, Autosomal Recessive and X-Linked Classification Criteria (2023). Collection method: clinical testing. Allele origin: unknown.
Comment: NM_206933.2(USH2A):c.4627+2T>C is a variant in a canonical splice site classified as likely pathogenic in the context of USH2A-related disorders. c.4627+2T>C has been observed in a case with relevant disease (PMID: 23661369). Relevant functional assessments of this variant are not available in the literature. c.4627+2T>C has not been observed in referenced population frequency databases. In summary, NM_206933.2(USH2A):c.4627+2T>C is a variant in a canonical splice site that has been observed more frequently in cases with the relevant disease than in healthy populations. Please note: this variant was assessed in the context of healthy population screening.

Literature cited by the submitters: PubMed 23661369.

NM_206933.4(USH2A):c.4627+2T>C

Gene: USH2A (usherin; minus strand). Cytogenetic location: 1q41.
Variant type: single nucleotide variant.
Coding change: c.4627+2T>C on transcript NM_206933.4 (MANE Select); the canonical splice donor site of the intron after coding-DNA position 4627, T replaced by C.
Molecular consequence: splice donor variant. On other transcripts: synonymous variant (1).
Genome position (GRCh38, 1-based): chr1:216,175,250, A>G on the plus strand (T>C on the coding strand, the complement: USH2A is on the minus strand). VCF-style: chr1-216175250-A-G. GRCh37 (hg19) VCF-style: chr1-216348592-A-G.
Other names: c.4629T>C, p.Gly1543= (NM_007123.6).
Identifiers: ClinVar variation 5003276 (VCV005003276.1).